The following is an entry in ClinVar:

ClinVar aggregate classification (germline): Conflicting classifications of pathogenicity. Review status: criteria provided, conflicting classifications (1 of 4 stars). 5 submissions from 5 submitters: Uncertain significance (2); Benign (1); Likely benign (1). 1 of the submissions does not count toward it. Last evaluated 2025-11-10.

Conditions:
COG5-related disorder. Also called: COG5-related condition.
Inborn genetic diseases. Identifiers: MedGen C0950123, MeSH D030342.
COG5-congenital disorder of glycosylation. Also called: CDG IIi; CONGENITAL DISORDER OF GLYCOSYLATION, TYPE IIi; COG5-CDG. Identifiers: Orphanet 263487, MedGen C3150876, MONDO:0013325, OMIM 613612.

Allele frequency attached by ClinVar (database versions not stated): 1000 Genomes Project 30x 0.00016; 1000 Genomes Project 0.00020; gnomAD exomes 0.00052 and 0.00089; gnomAD 0.00064 and 0.00067; ESP Exome Variant Server 0.00077; TOPMed 0.00082; ExAC 0.00087.
gnomAD v4.1: 907 of 1,602,608 alleles (0.057%); highest among the groups gnomAD compares: Middle Eastern, 0.17%; 3 homozygotes.

Submissions (5):

Labcorp Genetics (formerly Invitae), Labcorp
Classification: Benign for COG5-congenital disorder of glycosylation. Last evaluated: 2025-11-10. Review status: criteria provided, single submitter. Criteria: Invitae Variant Classification Sherloc (09022015). Collection method: clinical testing. Allele origin: germline.

Ambry Genetics
Classification: Likely benign for Inborn genetic diseases. Last evaluated: 2022-06-02. Review status: criteria provided, single submitter. Criteria: Ambry Variant Classification Scheme 2023. Collection method: clinical testing. Allele origin: germline.

Illumina Laboratory Services, Illumina
Classification: Uncertain significance for COG5-congenital disorder of glycosylation. Last evaluated: 2018-01-12. Review status: criteria provided, single submitter. Criteria: ICSL Variant Classification Criteria 13 December 2019. Collection method: clinical testing. Allele origin: germline.

Eurofins Ntd Llc (ga)
Classification: Uncertain significance. Last evaluated: 2016-01-26. Review status: criteria provided, single submitter. Criteria: EGL Classification Definitions 2015. Collection method: clinical testing. Allele origin: germline. Observed: 1 variant allele, 1 heterozygote.

PreventionGenetics, part of Exact Sciences
Classification: Likely benign for COG5-related condition. Last evaluated: 2020-02-04. Review status: no assertion criteria provided. Collection method: clinical testing. Allele origin: germline. Not counted in ClinVar's aggregate classification.
Comment: This variant is classified as likely benign based on ACMG/AMP sequence variant interpretation guidelines (Richards et al. 2015 PMID: 25741868, with internal and published modifications).

NM_006348.5(COG5):c.1037C>T (p.Pro346Leu)

Gene: COG5 (component of oligomeric golgi complex 5; minus strand). Cytogenetic location: 7q22.3.
Variant type: single nucleotide variant.
Coding change: c.1037C>T on transcript NM_006348.5 (MANE Select); coding-DNA position 1037, C replaced by T.
Protein change: p.Pro346Leu; replaces proline 346 with leucine.
Molecular consequence: missense variant. On other transcripts: intron variant (1).
Genome position (GRCh38, 1-based): chr7:107,324,511, G>A on the plus strand (C>T on the coding strand, the complement: COG5 is on the minus strand). VCF-style: chr7-107324511-G-A. GRCh37 (hg19) VCF-style: chr7-106964956-G-A.
Other names: c.1037C>T, p.Pro346Leu (NM_001161520.2, NM_001379511.1, NM_001379512.1 and 3 more transcripts); c.323C>T, p.Pro108Leu (NM_001379516.1); c.539-26165C>T (NM_001379515.1); short protein forms P377L, P108L, P346L.
Identifiers: ClinVar variation 286064 (VCV000286064.23), dbSNP rs143773937, ClinGen allele CA4431020.